The following is an entry in ClinVar:

ClinVar aggregate classification (germline): Uncertain significance (1 of 4 stars; one submission).

Conditions:
Developmental and epileptic encephalopathy 98. Identifiers: MedGen C5562017, MONDO:0030472, OMIM 619605.

Submission:

3billion
Classification: Uncertain significance for Developmental and epileptic encephalopathy 98. Last evaluated: 2022-09-01. Review status: criteria provided, single submitter. Criteria: ACMG Guidelines, 2015. Collection method: clinical testing. Allele origin: germline. Affected: yes. Observed: 1 heterozygote.
Comment: The variant is not observed in the gnomAD v2.1.1 dataset. Frameshift variant is predicted to result in a loss or disruption of normal protein function through nonsense-mediated decay (NMD) or protein truncation. Loss-of-function (LoF) variants are not yet known to be disease-causing for Developmental and epileptic encephalopathy 98. Multiple pathogenic variants are reported downstream of the variant. Therefore, this variant is classified as a variant of uncertain significance according to the recommendation of ACMG/AMP guideline.

NM_000702.4(ATP1A2):c.1408_1409del (p.Asp470fs)

Gene: ATP1A2 (ATPase Na+/K+ transporting subunit alpha 2; plus strand). Cytogenetic location: 1q23.2.
Variant type: Microsatellite.
Coding change: c.1408_1409del on transcript NM_000702.4 (MANE Select); coding-DNA positions 1408 to 1409, 2 bases deleted (GA; older notation c.1408_1409delGA).
Protein change: p.Asp470fs; shifts the reading frame from aspartic acid 470.
Molecular consequence: frameshift variant.
Genome position (GRCh38, 1-based): chr1:160,129,347-160,129,348, GA deleted; deleting any 2 consecutive bases within chr1:160,129,343-160,129,348 gives the same sequence; the c. name uses the placement nearest the transcript's 3' end. VCF-style (leftmost placement, unchanged base first): chr1-160129342-TGA-T. GRCh37 (hg19) VCF-style: chr1-160099132-TGA-T.
Other names: short protein forms D470fs.
Identifiers: ClinVar variation 1705641 (VCV001705641.2), dbSNP rs2524869940, ClinGen allele CA2580611208.